The following is an entry in ClinVar:

NM_004614.5(TK2):c.87del (p.Pro31fs)

Genes: TK2 (thymidine kinase 2; minus strand), LOC130059156 (ATAC-STARR-seq lymphoblastoid silent region 7560; plus strand). Cytogenetic location: 16q21.
Variant type: Deletion.
Coding change: c.87del on transcript NM_004614.5 (MANE Select); coding-DNA position 87, one base deleted (C; older notation c.87delC).
Protein change: p.Pro31fs; shifts the reading frame from proline 31.
Molecular consequence: frameshift variant. On other transcripts: 5 prime UTR variant (2), non-coding transcript variant (1), intron variant (2).
Genome position (GRCh38, 1-based): chr16:66,549,975, G deleted on the plus strand (C on the coding strand, the reverse complement: TK2 is on the minus strand); the first of 4 consecutive G bases (chr16:66,549,975-66,549,978); deleting any one gives the same sequence. VCF-style (leftmost placement, unchanged base first): chr16-66549974-CG-C. GRCh37 (hg19) VCF-style: chr16-66583877-CG-C.
Other names: c.87del, p.Pro31fs (NM_001172644.2, NM_001172645.2); c.-156del (NM_001271934.2); c.-566del (NM_001272050.2); c.31+278del (NM_001271935.1, NM_001172643.1); short protein forms P31fs.
Identifiers: ClinVar variation 951349 (VCV000951349.8), dbSNP rs1163069592, ClinGen allele CA623116107.
Genomic context (GRCh38, chr16:66,549,974, plus strand): 5'-AGGCGGGACCAAGACGCGCGTTACCGGGAGGCCAGGCCCGGCGCTGCACCCTCCGCGGCC[CG>C]GGGCCTGAGGCCGGGCTCCCGCGACTTCCCGGCCCAAAGCAGCGCAGCGCCCGGGCGGCC-3'

ClinVar aggregate classification (germline): Pathogenic (1 of 4 stars; one submission).

Submission:

Labcorp Genetics (formerly Invitae), Labcorp
Classification: Pathogenic. Last evaluated: 2019-05-27. Review status: criteria provided, single submitter. Criteria: Invitae Variant Classification Sherloc (09022015). Collection method: clinical testing. Allele origin: germline.
Comment: Loss-of-function variants in TK2 are known to be pathogenic (PMID: 20421844). This variant has not been reported in the literature in individuals with TK2-related conditions. The frequency data for this variant in the population databases is considered unreliable, as metrics indicate insufficient coverage at this position in the ExAC database. This sequence change creates a premature translational stop signal (p.Pro31Argfs*22) in the TK2 gene. It is expected to result in an absent or disrupted protein product. For these reasons, this variant has been classified as Pathogenic.

Literature cited by the submitters: PubMed 20421844.